The following is an entry in ClinVar:

NM_018238.4(AGK):c.142-1664G>A

Gene: AGK (acylglycerol kinase; plus strand). Cytogenetic location: 7q34.
Variant type: single nucleotide variant.
Coding change: c.142-1664G>A on transcript NM_018238.4 (MANE Select); 1664 bases into the intron before coding-DNA position 142, G replaced by A.
Molecular consequence: intron variant.
Genome position (GRCh38, 1-based): chr7:141,594,898, G>A. VCF-style: chr7-141594898-G-A. GRCh37 (hg19) VCF-style: chr7-141294698-G-A.
Other names: c.142-1664G>A (NM_001364948.3).
Identifiers: ClinVar variation 2499061 (VCV002499061.28), dbSNP rs190474147, ClinGen allele CA168065859.
Genomic context (GRCh38, chr7:141,594,898, plus strand): 5'-AGACGGGGTTTCACCATGTTGGTCAGGCTGGTCTCGAACTCCTGACCTTGTGATCCACTC[G>A]CCTTGGCCTCCCAAAGTGCTGCAATTACAGGTGTGAGCCACCTTGCCTGGCCTTATTTCT-3'

ClinVar aggregate classification (germline): Likely benign (1 of 4 stars; one submission).

Allele frequency attached by ClinVar (database versions not stated): TOPMed 0.00009; gnomAD 0.00011; 1000 Genomes Project 30x 0.00031; 1000 Genomes Project 0.00040.
gnomAD v4.1: 16 of 152,136 alleles (0.011%); highest among the groups gnomAD compares: African/African-American, 0.039%; no homozygotes.

Submission:

CeGaT Center for Human Genetics Tuebingen
Classification: Likely benign. Last evaluated: 2023-03-01. Review status: criteria provided, single submitter. Criteria: CeGaT Center For Human Genetics Tuebingen Variant Classification Criteria Version 2. Collection method: clinical testing. Allele origin: germline. Affected: yes. Observed: 1 variant allele.
Comment: AGK: BP4, BP7